The following is an entry in ClinVar:

ClinVar aggregate classification (germline): Likely benign (1 of 4 stars; one submission).

Submission:

Mayo Clinic Laboratories, Mayo Clinic
Classification: Likely benign. Last evaluated: 2025-08-01. Review status: criteria provided, single submitter. Criteria: ACMG Guidelines, 2015. Collection method: clinical testing. Allele origin: germline. Observed: 1 variant allele.
Comment: BP4, BP7, PM2_supporting

NM_001025356.3(ANO6):c.2503C>T (p.Leu835=)

Gene: ANO6 (anoctamin 6; plus strand). Cytogenetic location: 12q12.
Variant type: single nucleotide variant.
Coding change: c.2503C>T on transcript NM_001025356.3 (MANE Select); coding-DNA position 2503, C replaced by T.
Protein change: p.Leu835=; no amino-acid change (leucine 835 retained).
Molecular consequence: synonymous variant.
Genome position (GRCh38, 1-based): chr12:45,423,039, C>T. VCF-style: chr12-45423039-C-T. GRCh37 (hg19) VCF-style: chr12-45816822-C-T.
Other names: p.Leu835=; c.2449C>T, p.Leu817= (NM_001142678.2); c.2503C>T, p.Leu835= (NM_001142679.2); c.2566C>T, p.Leu856= (NM_001204803.2); c.2470C>T, p.Leu824= (NM_001410973.1).
Identifiers: ClinVar variation 4683751 (VCV004683751.1).